The following is an entry in ClinVar:

ClinVar aggregate classification (germline): Benign. Review status: criteria provided, multiple submitters, no conflicts (2 of 4 stars). 17 submissions from 14 submitters: Benign (13). 4 of the submissions do not count toward it. Last evaluated 2026-02-04.

Conditions:
Myoclonus, familial, 2. Identifiers: MedGen C5193056, MONDO:0100092, OMIM 618364.
Early-infantile DEE. Also called: Ohtahara syndrome; Early infantile epileptic encephalopathy with suppression bursts; Early infantile epileptic encephalopathy. Identifiers: Orphanet 1934, MedGen C0393706, MONDO:0800491.
Seizures, benign familial infantile, 5 (BFIS5). Also called: CONVULSIONS, BENIGN FAMILIAL INFANTILE, 5. Identifiers: Orphanet 306, MedGen C4310728, MONDO:0014903, OMIM 617080.
Inborn genetic diseases. Identifiers: MedGen C0950123, MeSH D030342.
Cognitive impairment with or without cerebellar ataxia (CIAT). Identifiers: MedGen C3280415, MONDO:0013680, OMIM 614306.
Developmental and epileptic encephalopathy, 13 (DEE13). Also called: Early infantile epileptic encephalopathy 13; Developmental and Epileptic Encephalopathy (SCN8A-DEE); SCN8A-Related Epilepsy. Identifiers: Orphanet 442835, MedGen C3281191, MONDO:0013801, OMIM 614558.

Allele frequency attached by ClinVar (database versions not stated): 1000 Genomes Project 30x 0.77967; gnomAD exomes 0.84758 and 0.85729; 1000 Genomes Project 0.78494; ESP Exome Variant Server 0.80015; TOPMed 0.80783; gnomAD 0.81071 and 0.81114; ExAC 0.83668.
gnomAD v4.1: 1,375,050 of 1,612,864 alleles (85%); highest among the groups gnomAD compares: East Asian, 99%; 590,502 homozygotes.

Submissions (17):

Labcorp Genetics (formerly Invitae), Labcorp
Classification: Benign for Early-infantile DEE. Last evaluated: 2026-02-04. Review status: criteria provided, single submitter. Criteria: Invitae Variant Classification Sherloc (09022015). Collection method: clinical testing. Allele origin: germline.

Unidad de Genómica Garrahan, Hospital de Pediatría Garrahan
Classification: Benign. Last evaluated: 2024-07-15. Review status: criteria provided, single submitter. Criteria: ACMG Guidelines, 2015. Collection method: clinical testing. Allele origin: germline. Affected: no. Observed: 86 variant alleles.
Comment: This variant is classified as Benign based on local population frequency. This variant was detected in 92% of patients studied in a panel designed for Epileptic and Developmental Encephalopathy and Progressive Myoclonus Epilepsy. Number of patients: 86. Only high quality variants are reported.

Mayo Clinic Laboratories, Mayo Clinic
Classification: Benign. Last evaluated: 2022-03-24. Review status: criteria provided, single submitter. Criteria: ACMG Guidelines, 2015. Collection method: clinical testing. Allele origin: germline. Observed: 1,729 variant alleles.

Genome-Nilou Lab
Classification: Benign for Myoclonus, familial, 2. Last evaluated: 2021-07-15. Review status: criteria provided, single submitter. Criteria: ACMG Guidelines, 2015. Collection method: clinical testing. Allele origin: germline. Affected: no.

Genome-Nilou Lab
Classification: Benign for Cognitive impairment with or without cerebellar ataxia. Last evaluated: 2021-07-15. Review status: criteria provided, single submitter. Criteria: ACMG Guidelines, 2015. Collection method: clinical testing. Allele origin: germline. Affected: no.

Genome-Nilou Lab
Classification: Benign for Developmental and epileptic encephalopathy, 13. Last evaluated: 2021-07-15. Review status: criteria provided, single submitter. Criteria: ACMG Guidelines, 2015. Collection method: clinical testing. Allele origin: germline. Affected: no.

Genome-Nilou Lab
Classification: Benign for Seizures, benign familial infantile, 5. Last evaluated: 2021-07-15. Review status: criteria provided, single submitter. Criteria: ACMG Guidelines, 2015. Collection method: clinical testing. Allele origin: germline. Affected: no.

Athena Diagnostics
Classification: Benign. Last evaluated: 2018-05-06. Review status: criteria provided, single submitter. Criteria: Athena Diagnostics Criteria. Collection method: clinical testing. Allele origin: germline.

Ambry Genetics
Classification: Benign for Inborn genetic diseases. Last evaluated: 2015-12-31. Review status: criteria provided, single submitter. Criteria: Ambry Variant Classification Scheme 2023. Collection method: clinical testing. Allele origin: germline.

GeneDx
Classification: Benign. Last evaluated: 2015-03-03. Review status: criteria provided, single submitter. Criteria: GeneDx Variant Classification Process June 2021. Collection method: clinical testing. Allele origin: germline. Affected: yes.

Eurofins Ntd Llc (ga)
Classification: Benign. Last evaluated: 2014-10-22. Review status: criteria provided, single submitter. Criteria: EGL Classification Definitions 2015. Collection method: clinical testing. Allele origin: germline. Observed: 2 variant alleles, 1 heterozygote, 1 homozygote.

Breakthrough Genomics
Classification: Benign. Review status: criteria provided, single submitter. Criteria: ACMG Guidelines, 2015. Collection method: not provided. Allele origin: germline. Inheritance: Autosomal dominant inheritance. Affected: yes.

PreventionGenetics, part of Exact Sciences
Classification: Benign. Review status: criteria provided, single submitter. Criteria: ACMG Guidelines, 2015. Collection method: clinical testing. Allele origin: germline.

Clinical Genetics DNA and cytogenetics Diagnostics Lab, Erasmus MC, Erasmus Medical Center
Classification: Benign. Review status: no assertion criteria provided. Collection method: clinical testing. Allele origin: germline. Affected: yes. Study: VKGL Data-share Consensus. Not counted in ClinVar's aggregate classification.

Diagnostic Laboratory, Department of Genetics, University Medical Center Groningen
Classification: Benign. Review status: no assertion criteria provided. Collection method: clinical testing. Allele origin: germline. Affected: yes. Study: VKGL Data-share Consensus. Not counted in ClinVar's aggregate classification.

Genetic Services Laboratory, University of Chicago
Classification: Likely benign for AllHighlyPenetrant. Review status: no assertion criteria provided. Collection method: clinical testing. Allele origin: germline. Inheritance: Autosomal dominant inheritance. Not counted in ClinVar's aggregate classification.
Comment: Likely benign based on allele frequency in 1000 Genomes Project or ESP global frequency and its presence in a patient with a rare or unrelated disease phenotype. NOT Sanger confirmed.

Joint Genome Diagnostic Labs from Nijmegen and Maastricht, Radboudumc and MUMC+
Classification: Benign. Review status: no assertion criteria provided. Collection method: clinical testing. Allele origin: germline. Affected: yes. Study: VKGL Data-share Consensus. Not counted in ClinVar's aggregate classification.

NM_001330260.2(SCN8A):c.576C>T (p.Asp192=)

Gene: SCN8A (sodium voltage-gated channel alpha subunit 8; plus strand). Cytogenetic location: 12q13.13.
Variant type: single nucleotide variant.
Coding change: c.576C>T on transcript NM_001330260.2 (MANE Select); coding-DNA position 576, C replaced by T.
Protein change: p.Asp192=; no amino-acid change (aspartic acid 192 retained).
Molecular consequence: synonymous variant.
Genome position (GRCh38, 1-based): chr12:51,687,181, C>T. VCF-style: chr12-51687181-C-T. GRCh37 (hg19) VCF-style: chr12-52080965-C-T.
Other names: p.Asp192=; c.576C>T, p.Asp192= (NM_001177984.3, NM_001369788.1, NM_014191.4).
Identifiers: ClinVar variation 130253 (VCV000130253.36), dbSNP rs4761829, ClinGen allele CA155099.